The following is an entry in ClinVar:

ClinVar aggregate classification (germline): Uncertain significance (1 of 4 stars; one submission).

Conditions:
Werner syndrome (WRN). Identifiers: Orphanet 902, MedGen C0043119, MONDO:0010196, OMIM 277700.

gnomAD v4.1: 1 of 1,605,490 alleles (0.000062%); highest among the groups gnomAD compares: East Asian, 0.0022%; no homozygotes.

Submission:

Labcorp Genetics (formerly Invitae), Labcorp
Classification: Uncertain significance for Werner syndrome. Last evaluated: 2021-10-02. Review status: criteria provided, single submitter. Criteria: Invitae Variant Classification Sherloc (09022015). Collection method: clinical testing. Allele origin: germline.
Comment: In summary, the available evidence is currently insufficient to determine the role of this variant in disease. Therefore, it has been classified as a Variant of Uncertain Significance. Algorithms developed to predict the effect of sequence changes on RNA splicing suggest that this variant may disrupt the consensus splice site. This variant has not been reported in the literature in individuals affected with WRN-related conditions. This variant is not present in population databases (ExAC no frequency). This sequence change falls in intron 21 of the WRN gene. It does not directly change the encoded amino acid sequence of the WRN protein.

NM_000553.6(WRN):c.2631-8A>G

Gene: WRN (WRN RecQ like helicase; plus strand). Cytogenetic location: 8p12.
Variant type: single nucleotide variant.
Coding change: c.2631-8A>G on transcript NM_000553.6 (MANE Select); 8 bases into the intron before coding-DNA position 2631, A replaced by G.
Molecular consequence: intron variant.
Genome position (GRCh38, 1-based): chr8:31,124,514, A>G. VCF-style: chr8-31124514-A-G. GRCh37 (hg19) VCF-style: chr8-30982030-A-G.
Identifiers: ClinVar variation 1441189 (VCV001441189.6), dbSNP rs552448152, ClinGen allele CA174884393.